The following is an entry in ClinVar:

ClinVar aggregate classification (germline): Uncertain significance. Review status: criteria provided, multiple submitters, no conflicts (2 of 4 stars). 5 submissions from 5 submitters: Uncertain significance (5). Last evaluated 2025-11-03.

Conditions:
Spermatogenic failure 28. Identifiers: MedGen C4748117, MONDO:0054732, OMIM 618086.
Premature ovarian failure 15. Identifiers: MedGen C4748170, MONDO:0054862, OMIM 618096.
Fanconi anemia (FA). Also called: Fanconi's anemia. Identifiers: Orphanet 84, MedGen C0015625, MeSH D005199, MONDO:0019391.
Inborn genetic diseases. Identifiers: MedGen C0950123, MeSH D030342.

Allele frequency attached by ClinVar (database versions not stated): TOPMed 0.00006; ExAC 0.00009; gnomAD exomes 0.00013.
gnomAD v4.1: 38 of 1,611,608 alleles (0.0024%); highest among the groups gnomAD compares: Admixed American, 0.064%; no homozygotes.

Submissions (5):

Quest Diagnostics Nichols Institute San Juan Capistrano
Classification: Uncertain significance. Last evaluated: 2025-11-03. Review status: criteria provided, single submitter. Criteria: Quest Diagnostics criteria. Collection method: clinical testing. Allele origin: unknown.
Comment: The FANCM c.2473A>C (p.Ser825Arg) variant has not been reported in individuals with FANCM-related conditions in the published literature. The frequency of this variant in the general population (Genome Aggregation Database) is higher than would generally be expected for pathogenic variants in this gene. Analysis of this variant using bioinformatics tools for the prediction of the effect of amino acid changes on protein structure and function yielded predictions that this variant is benign. Based on the available information, we are unable to determine the clinical significance of this variant.

Fulgent Genetics
Classification: Uncertain significance for Spermatogenic failure 28; Premature ovarian failure 15. Last evaluated: 2024-06-19. Review status: criteria provided, single submitter. Criteria: ACMG Guidelines, 2015. Collection method: clinical testing. Allele origin: germline.

GeneDx
Classification: Uncertain significance. Last evaluated: 2024-01-16. Review status: criteria provided, single submitter. Criteria: GeneDx Variant Classification Process June 2021. Collection method: clinical testing. Allele origin: germline. Affected: yes.
Comment: In silico analysis supports that this missense variant does not alter protein structure/function; Has not been previously published as pathogenic or benign to our knowledge

Ambry Genetics
Classification: Uncertain significance for Inborn genetic diseases. Last evaluated: 2023-12-13. Review status: criteria provided, single submitter. Criteria: Ambry Variant Classification Scheme 2023. Collection method: clinical testing. Allele origin: germline.

Labcorp Genetics (formerly Invitae), Labcorp
Classification: Uncertain significance for Fanconi anemia. Last evaluated: 2023-07-31. Review status: criteria provided, single submitter. Criteria: Invitae Variant Classification Sherloc (09022015). Collection method: clinical testing. Allele origin: germline.
Comment: In summary, the available evidence is currently insufficient to determine the role of this variant in disease. Therefore, it has been classified as a Variant of Uncertain Significance. Algorithms developed to predict the effect of missense changes on protein structure and function output the following: SIFT: "Not Available"; PolyPhen-2: "Benign"; Align-GVGD: "Not Available". The arginine amino acid residue is found in multiple mammalian species, which suggests that this missense change does not adversely affect protein function. ClinVar contains an entry for this variant (Variation ID: 652987). This variant has not been reported in the literature in individuals affected with FANCM-related conditions. This variant is present in population databases (rs547223696, gnomAD 0.1%). This sequence change replaces serine, which is neutral and polar, with arginine, which is basic and polar, at codon 825 of the FANCM protein (p.Ser825Arg).

NM_020937.4(FANCM):c.2473A>C (p.Ser825Arg)

Gene: FANCM (FA complementation group M; plus strand). Cytogenetic location: 14q21.2.
Variant type: single nucleotide variant.
Coding change: c.2473A>C on transcript NM_020937.4 (MANE Select); coding-DNA position 2473, A replaced by C.
Protein change: p.Ser825Arg; replaces serine 825 with arginine.
Molecular consequence: missense variant.
Genome position (GRCh38, 1-based): chr14:45,175,227, A>C. VCF-style: chr14-45175227-A-C. GRCh37 (hg19) VCF-style: chr14-45644430-A-C.
Other names: c.2473A>C (LRG_502t1, NM_020937.3); c.2395A>C, p.Ser799Arg (NM_001308133.2); short protein forms S825R, S799R.
Identifiers: ClinVar variation 652987 (VCV000652987.16), dbSNP rs547223696, ClinGen allele CA7169359.